The following is an entry in ClinVar:

ClinVar aggregate classification (germline): Likely benign (1 of 4 stars; one submission).

Allele frequency attached by ClinVar (database versions not stated): 1000 Genomes Project 0.00180; 1000 Genomes Project 30x 0.00187; ExAC 0.00434; gnomAD 0.00474; TOPMed 0.00504; ESP Exome Variant Server 0.00577; gnomAD exomes 0.00708.
gnomAD v4.1: 11,034 of 1,614,088 alleles (0.68%); highest among the groups gnomAD compares: Non-Finnish European, 0.85%; 45 homozygotes.

Submission:

CeGaT Center for Human Genetics Tuebingen
Classification: Likely benign. Last evaluated: 2023-03-01. Review status: criteria provided, single submitter. Criteria: CeGaT Center For Human Genetics Tuebingen Variant Classification Criteria Version 2. Collection method: clinical testing. Allele origin: germline. Affected: yes. Observed: 1 variant allele.
Comment: CCDC77: BP4, BP7, BS2

NM_032358.4(CCDC77):c.102A>G (p.Ala34=)

Gene: CCDC77 (coiled-coil domain containing 77; plus strand). Cytogenetic location: 12p13.33.
Variant type: single nucleotide variant.
Coding change: c.102A>G on transcript NM_032358.4 (MANE Select); coding-DNA position 102, A replaced by G.
Protein change: p.Ala34=; no amino-acid change (alanine 34 retained).
Molecular consequence: synonymous variant.
Genome position (GRCh38, 1-based): chr12:411,810, A>G. VCF-style: chr12-411810-A-G. GRCh37 (hg19) VCF-style: chr12-520976-A-G.
Other names: c.6A>G, p.Ala2= (NM_001130146.2, NM_001130147.2, NM_001130148.2).
Identifiers: ClinVar variation 2642563 (VCV002642563.24), dbSNP rs35234577, ClinGen allele CA6379942.